The following is an entry in ClinVar:

NM_000975.5(RPL11):c.*6C>T

Gene: RPL11 (ribosomal protein L11; plus strand). Cytogenetic location: 1p36.11.
Variant type: single nucleotide variant.
Coding change: c.*6C>T on transcript NM_000975.5 (MANE Select); 6 bases downstream of the stop codon, C replaced by T.
Molecular consequence: 3 prime UTR variant.
Genome position (GRCh38, 1-based): chr1:23,696,379, C>T. VCF-style: chr1-23696379-C-T. GRCh37 (hg19) VCF-style: chr1-24022869-C-T.
Other names: c.*6C>T (NM_001199802.1).
Identifiers: ClinVar variation 4688918 (VCV004688918.1).

ClinVar aggregate classification (germline): Uncertain significance (1 of 4 stars; one submission).

Submission:

Women's Health and Genetics/Laboratory Corporation of America, LabCorp
Classification: Uncertain significance. Last evaluated: 2025-12-31. Review status: criteria provided, single submitter. Criteria: LabCorp Variant Classification Summary - May 2015. Collection method: clinical testing. Allele origin: germline.
Comment: Variant summary: RPL11 c.*6C>T is located in the untranslated mRNA region downstream of the termination codon. The variant allele was found at a frequency of 9.9e-05 in 251360 control chromosomes. This frequency is not significantly higher than estimated for disease-causing variants in RPL11, allowing no conclusion about variant significance. To our knowledge, no occurrence of c.*6C>T in individuals affected with RPL11-related conditions and no experimental evidence demonstrating its impact on protein function have been reported. No submitters have cited clinical-significance assessments for this variant to ClinVar. Based on the evidence outlined above, the variant was classified as uncertain significance.